The following is an entry in ClinVar:

NM_004364.5(CEBPA):c.875A>G (p.Asn292Ser)

Gene: CEBPA (CCAAT enhancer binding protein alpha; minus strand). Cytogenetic location: 19q13.11.
Variant type: single nucleotide variant.
Coding change: c.875A>G on transcript NM_004364.5 (MANE Select); coding-DNA position 875, A replaced by G.
Protein change: p.Asn292Ser; replaces asparagine 292 with serine.
Molecular consequence: missense variant.
Genome position (GRCh38, 1-based): chr19:33,301,540, T>C on the plus strand (A>G on the coding strand, the complement: CEBPA is on the minus strand). VCF-style: chr19-33301540-T-C. GRCh37 (hg19) VCF-style: chr19-33792446-T-C.
Other names: c.518A>G, p.Asn173Ser (NM_001285829.2); c.980A>G, p.Asn327Ser (NM_001287424.2); c.833A>G, p.Asn278Ser (NM_001287435.2); short protein forms N278S, N292S, N173S, N327S.
Identifiers: ClinVar variation 1449958 (VCV001449958.8), dbSNP rs776590829, ClinGen allele CA405274025.
Genomic context (GRCh38, chr19:33,301,540, plus strand): 5'-TGCTGCGTCTCCACGTTGCGCTGCTTGGCCTTGTCGCGGCTCTTGCGCACCGCGATGTTG[T>C]TGCGCTCGCGCCGCACCCGGTACTCGTTGCTGTTCTTGTCCACCGACTTCTTGGCCTTGC-3'
Protein context (NP_004355.2, residues 282-302): SNEYRVRRER[Asn292Ser]NIAVRKSRDK

ClinVar aggregate classification (germline): Uncertain significance (1 of 4 stars; one submission).

Conditions:
Acute myeloid leukemia (AML). Also called: Leukemia, acute myeloid, somatic; Leukemia, acute myelogenous, somatic; Acute myeloid leukemia, adult; AML adult; Acute non-lymphocytic leukemia; Acute granulocytic leukemia. Identifiers: Orphanet 519, MedGen C0023467, MeSH D015470, MONDO:0018874, OMIM 601626, HP:0004808. Disease mechanism: Constitutively activated FLT3.

Allele frequency attached by ClinVar (database versions not stated): TOPMed below 0.00001.

Submission:

Labcorp Genetics (formerly Invitae), Labcorp
Classification: Uncertain significance for Acute myeloid leukemia. Last evaluated: 2021-04-14. Review status: criteria provided, single submitter. Criteria: Invitae Variant Classification Sherloc (09022015). Collection method: clinical testing. Allele origin: germline.
Comment: This sequence change replaces asparagine with serine at codon 292 of the CEBPA protein (p.Asn292Ser). The asparagine residue is highly conserved and there is a small physicochemical difference between asparagine and serine. This variant has not been reported in the literature in individuals with CEBPA-related conditions. In summary, the available evidence is currently insufficient to determine the role of this variant in disease. Therefore, it has been classified as a Variant of Uncertain Significance. Algorithms developed to predict the effect of missense changes on protein structure and function (SIFT, PolyPhen-2, Align-GVGD) all suggest that this variant is likely to be disruptive, but these predictions have not been confirmed by published functional studies and their clinical significance is uncertain. This variant is not present in population databases (ExAC no frequency).